The following is an entry in ClinVar:

ClinVar aggregate classification (germline): Uncertain significance. Review status: criteria provided, multiple submitters, no conflicts (2 of 4 stars). 7 submissions from 7 submitters: Uncertain significance (4). 3 of the submissions do not count toward it. Last evaluated 2025-10-29.

Conditions:
Generalized epilepsy with febrile seizures plus, type 7 (GEFSP7). Also called: GEFS+, TYPE 7. Identifiers: Orphanet 36387, MedGen C2751778, MONDO:0013470, OMIM 613863.
Neuropathy, hereditary sensory and autonomic, type 2A (HSAN2A). Also called: ACROOSTEOLYSIS, GIACCAI TYPE; ACROOSTEOLYSIS, NEUROGENIC; WNK1-Related HSAN2 (HSAN2A); MORVAN DISEASE; NEUROPATHY, CONGENITAL SENSORY; NEUROPATHY, HEREDITARY SENSORY RADICULAR, AUTOSOMAL RECESSIVE. Identifiers: Orphanet 970, MedGen C2752089, MONDO:0024309, OMIM 201300.
Inborn genetic diseases. Identifiers: MedGen C0950123, MeSH D030342.
Paroxysmal extreme pain disorder (PEXPD). Also called: SCN9A Paroxysmal Extreme Pain Disorder (SCN9A-PEPD); PAIN, SUBMANDIBULAR, OCULAR, AND RECTAL, WITH FLUSHING; RECTAL PAIN, FAMILIAL. Identifiers: Orphanet 46348, MedGen C1833661, MONDO:0008179, OMIM 167400.
Primary erythromelalgia. Also called: primary erythermalgia; SCN9A Erythromelalgia (SCN9A-EM). Identifiers: Orphanet 306577, Orphanet 90026, MedGen C0014805, MONDO:0007571, OMIM 133020.
Generalized epilepsy with febrile seizures plus. Also called: Generalized Epilepsy with Febrile Seizures Plus (GEFS+). Identifiers: Orphanet 36387, MedGen C3502809, MONDO:0018214.

Allele frequency attached by ClinVar (database versions not stated): gnomAD exomes 0.00003 and 0.00005; TOPMed 0.00004; ExAC 0.00005; gnomAD 0.00005; ESP Exome Variant Server 0.00008.
gnomAD v4.1: 71 of 1,589,192 alleles (0.0045%); highest among the groups gnomAD compares: Non-Finnish European, 0.006%; no homozygotes.

Submissions (7):

Ambry Genetics
Classification: Uncertain significance for Inborn genetic diseases. Last evaluated: 2025-10-29. Review status: criteria provided, single submitter. Criteria: Ambry Variant Classification Scheme 2023. Collection method: clinical testing. Allele origin: germline.

Labcorp Genetics (formerly Invitae), Labcorp
Classification: Uncertain significance for Neuropathy, hereditary sensory and autonomic, type 2A; Generalized epilepsy with febrile seizures plus, type 7. Last evaluated: 2025-08-13. Review status: criteria provided, single submitter. Criteria: Invitae Variant Classification Sherloc (09022015). Collection method: clinical testing. Allele origin: germline.
Comment: This sequence change replaces proline, which is neutral and non-polar, with threonine, which is neutral and polar, at codon 756 of the SCN9A protein (p.Pro756Thr). The frequency data for this variant in the population databases is considered unreliable, as metrics indicate poor data quality at this position in the gnomAD database. This missense change has been observed in individual(s) with clinical features of SCN9A-related conditions (PMID: 30554136). ClinVar contains an entry for this variant (Variation ID: 451326). Invitae Evidence Modeling of protein sequence and biophysical properties (such as structural, functional, and spatial information, amino acid conservation, physicochemical variation, residue mobility, and thermodynamic stability) indicates that this missense variant is not expected to disrupt SCN9A protein function with a negative predictive value of 80%. In summary, the available evidence is currently insufficient to determine the role of this variant in disease. Therefore, it has been classified as a Variant of Uncertain Significance.

GeneDx
Classification: Uncertain significance. Last evaluated: 2025-04-11. Review status: criteria provided, single submitter. Criteria: GeneDx Variant Classification Process June 2021. Collection method: clinical testing. Allele origin: germline. Affected: yes.
Comment: Reported in two alleles in a cohort of patients with atrioventricular nodal reentry tachycardia (PMID: 29396561); In silico analysis supports that this missense variant has a deleterious effect on protein structure/function; This variant is associated with the following publications: (PMID: 29396561, 30554136)

Revvity Omics, Revvity
Classification: Uncertain significance. Last evaluated: 2021-05-04. Review status: criteria provided, single submitter. Criteria: ACMG Guidelines, 2015. Collection method: clinical testing. Allele origin: germline.

Clinical Genetics DNA and cytogenetics Diagnostics Lab, Erasmus MC, Erasmus Medical Center
Classification: Uncertain significance. Review status: no assertion criteria provided. Collection method: clinical testing. Allele origin: germline. Affected: yes. Study: VKGL Data-share Consensus. Not counted in ClinVar's aggregate classification.

Clinical Genetics, Academic Medical Center
Classification: Uncertain significance. Review status: no assertion criteria provided. Collection method: clinical testing. Allele origin: germline. Affected: yes. Study: VKGL Data-share Consensus. Not counted in ClinVar's aggregate classification.

Joint Genome Diagnostic Labs from Nijmegen and Maastricht, Radboudumc and MUMC+
Classification: Uncertain significance. Review status: no assertion criteria provided. Collection method: clinical testing. Allele origin: germline. Affected: yes. Study: VKGL Data-share Consensus. Not counted in ClinVar's aggregate classification.

Literature cited by the submitters: PubMed 29396561 (cited by Ambry Genetics); PubMed 30554136 (cited by Ambry Genetics and Labcorp Genetics (formerly Invitae), Labcorp).

NM_001365536.1(SCN9A):c.2299C>A (p.Pro767Thr)

Genes: SCN9A (sodium voltage-gated channel alpha subunit 9; minus strand), SCN1A-AS1 (SCN1A and SCN9A antisense RNA 1; plus strand). Cytogenetic location: 2q24.3.
Variant type: single nucleotide variant.
Coding change: c.2299C>A on transcript NM_001365536.1 (MANE Select); coding-DNA position 2299, C replaced by A.
Protein change: p.Pro767Thr; replaces proline 767 with threonine.
Molecular consequence: missense variant.
Genome position (GRCh38, 1-based): chr2:166,280,401, G>T on the plus strand (C>A on the coding strand, the complement: SCN9A is on the minus strand). VCF-style: chr2-166280401-G-T. GRCh37 (hg19) VCF-style: chr2-167136911-G-T.
Other names: c.2266C>A, p.Pro756Thr (NM_002977.4); short protein forms P756T, P767T.
Identifiers: ClinVar variation 451326 (VCV000451326.23), dbSNP rs199715588, ClinGen allele CA1944302.
Genomic context (GRCh38, chr2:166,280,401, plus strand): 5'-ACAATAAGAGACTTACCAAATTTCCTATAGCAAGTACATTTTTGAATTCCTCAGTCATTG[G>T]GTGGTGTTCCATAGCCATAAATAATGTGTTTAAAACTATGCAAATGGTAATTGCAAGATC-3'
Protein context (NP_001352465.1, residues 757-777): NTLFMAMEHH[Pro767Thr]MTEEFKNVLA